The following is an entry in ClinVar:

ClinVar aggregate classification (germline): Uncertain significance (1 of 4 stars; one submission).

Allele frequency attached by ClinVar (database versions not stated): gnomAD 0.00003; ExAC 0.00009.
gnomAD v4.1: 14 of 1,512,262 alleles (0.00093%); highest among the groups gnomAD compares: African/African-American, 0.012%; no homozygotes.

Submission:

Labcorp Genetics (formerly Invitae), Labcorp
Classification: Uncertain significance. Last evaluated: 2023-10-13. Review status: criteria provided, single submitter. Criteria: Invitae Variant Classification Sherloc (09022015). Collection method: clinical testing. Allele origin: germline.
Comment: This sequence change replaces valine, which is neutral and non-polar, with methionine, which is neutral and non-polar, at codon 720 of the PDZD7 protein (p.Val720Met). This variant is present in population databases (rs765787538, gnomAD 0.02%). This variant has not been reported in the literature in individuals affected with PDZD7-related conditions. ClinVar contains an entry for this variant (Variation ID: 2000595). Advanced modeling of protein sequence and biophysical properties (such as structural, functional, and spatial information, amino acid conservation, physicochemical variation, residue mobility, and thermodynamic stability) performed at Invitae indicates that this missense variant is not expected to disrupt PDZD7 protein function. In summary, the available evidence is currently insufficient to determine the role of this variant in disease. Therefore, it has been classified as a Variant of Uncertain Significance.

NM_001195263.2(PDZD7):c.2158G>A (p.Val720Met)

Gene: PDZD7 (PDZ domain containing 7; minus strand). Cytogenetic location: 10q24.31.
Variant type: single nucleotide variant.
Coding change: c.2158G>A on transcript NM_001195263.2 (MANE Select); coding-DNA position 2158, G replaced by A.
Protein change: p.Val720Met; replaces valine 720 with methionine.
Molecular consequence: missense variant.
Genome position (GRCh38, 1-based): chr10:101,010,731, C>T on the plus strand (G>A on the coding strand, the complement: PDZD7 is on the minus strand). VCF-style: chr10-101010731-C-T. GRCh37 (hg19) VCF-style: chr10-102770488-C-T.
Other names: short protein forms V720M.
Identifiers: ClinVar variation 2000595 (VCV002000595.4), dbSNP rs765787538, ClinGen allele CA5654001.